The following is an entry in ClinVar:

ClinVar aggregate classification (germline): Benign. Review status: criteria provided, multiple submitters, no conflicts (2 of 4 stars). 7 submissions from 6 submitters: Benign (7). Last evaluated 2026-02-02.

Conditions:
Schwartz-Jampel syndrome. Also called: Myotonic myopathy dwarfism chondrodystrophy and ocular and facial abnormalities. Identifiers: Orphanet 800, MedGen C0036391, MONDO:0009717.
Connective tissue disorder. Also called: Connective tissue disease. Identifiers: MedGen C0009782, MONDO:0003900.
Lethal Kniest-like syndrome (DDSH). Also called: Dyssegmental Dysplasia. Identifiers: Orphanet 1865, MedGen C1857100, MONDO:0009140, OMIM 224410.

Allele frequency attached by ClinVar (database versions not stated): 1000 Genomes Project 0.01338; 1000 Genomes Project 30x 0.01374; TOPMed 0.02243; ESP Exome Variant Server 0.02444; ExAC 0.02459; gnomAD exomes 0.02901 and 0.03669; gnomAD 0.02910 and 0.02997.
gnomAD v4.1: 55,362 of 1,551,510 alleles (3.6%); highest among the groups gnomAD compares: Non-Finnish European, 4%; 1,191 homozygotes.

Submissions (7):

Labcorp Genetics (formerly Invitae), Labcorp
Classification: Benign. Last evaluated: 2026-02-02. Review status: criteria provided, single submitter. Criteria: Invitae Variant Classification Sherloc (09022015). Collection method: clinical testing. Allele origin: germline.

Blueprint Genetics
Classification: Benign. Last evaluated: 2024-11-26. Review status: criteria provided, single submitter. Criteria: ACMG Guidelines, 2015. Collection method: clinical testing. Allele origin: germline.

Genome Diagnostics Laboratory, The Hospital for Sick Children
Classification: Benign for Connective tissue disorder. Last evaluated: 2022-05-12. Review status: criteria provided, single submitter. Criteria: ACMG Guidelines, 2015. Collection method: clinical testing. Allele origin: germline.

GeneDx
Classification: Benign. Last evaluated: 2018-09-14. Review status: criteria provided, single submitter. Criteria: GeneDx Variant Classification Process June 2021. Collection method: clinical testing. Allele origin: germline. Affected: yes.

Illumina Laboratory Services, Illumina
Classification: Benign for Lethal Kniest-like syndrome. Last evaluated: 2018-01-13. Review status: criteria provided, single submitter. Criteria: ICSL Variant Classification Criteria 13 December 2019. Collection method: clinical testing. Allele origin: germline.
Comment: This variant was observed in the ICSL laboratory as part of a predisposition screen in an ostensibly healthy population. It had not been previously curated by ICSL or reported in the Human Gene Mutation Database (HGMD: prior to June 1st, 2018), and was therefore a candidate for classification through an automated scoring system. Utilizing variant allele frequency, disease prevalence and penetrance estimates, and inheritance mode, an automated score was calculated to assess if this variant is too frequent to cause the disease. Based on the score and internal cut-off values, a variant classified as benign is not then subjected to further curation. The score for this variant resulted in a classification of benign for this disease.

Illumina Laboratory Services, Illumina
Classification: Benign for Schwartz-Jampel syndrome type 1. Last evaluated: 2018-01-13. Review status: criteria provided, single submitter. Criteria: ICSL Variant Classification Criteria 13 December 2019. Collection method: clinical testing. Allele origin: germline.
Comment: the same text as in the submission from Illumina Laboratory Services, Illumina above.

Breakthrough Genomics
Classification: Benign. Review status: criteria provided, single submitter. Criteria: ACMG Guidelines, 2015. Collection method: not provided. Allele origin: germline. Inheritance: Autosomal recessive inheritance. Affected: yes.

NM_005529.7(HSPG2):c.12212C>T (p.Ala4071Val)

Gene: HSPG2 (heparan sulfate proteoglycan 2; minus strand). Cytogenetic location: 1p36.12.
Variant type: single nucleotide variant.
Coding change: c.12212C>T on transcript NM_005529.7 (MANE Select); coding-DNA position 12212, C replaced by T.
Protein change: p.Ala4071Val; replaces alanine 4071 with valine.
Molecular consequence: missense variant.
Genome position (GRCh38, 1-based): chr1:21,828,860, G>A on the plus strand (C>T on the coding strand, the complement: HSPG2 is on the minus strand). VCF-style: chr1-21828860-G-A. GRCh37 (hg19) VCF-style: chr1-22155353-G-A.
Other names: c.12215C>T, p.Ala4072Val (NM_001291860.2); short protein forms A4071V, A4072V.
Identifiers: ClinVar variation 295708 (VCV000295708.21), dbSNP rs74859884, ClinGen allele CA669500.